The following is an entry in ClinVar:

ClinVar aggregate classification (germline): Uncertain significance. Review status: criteria provided, multiple submitters, no conflicts (2 of 4 stars). 2 submissions from 2 submitters: Uncertain significance (2). Last evaluated 2025-06-18.

Allele frequency attached by ClinVar (database versions not stated): gnomAD exomes below 0.00001; TOPMed below 0.00001.
gnomAD v4.1: 7 of 1,614,204 alleles (0.00043%); highest among the groups gnomAD compares: Middle Eastern, 0.017%; no homozygotes.

Submissions (2):

Ambry Genetics
Classification: Uncertain significance. Last evaluated: 2025-06-18. Review status: criteria provided, single submitter. Criteria: Ambry Variant Classification Scheme 2023. Collection method: clinical testing. Allele origin: germline.

Labcorp Genetics (formerly Invitae), Labcorp
Classification: Uncertain significance. Last evaluated: 2023-09-27. Review status: criteria provided, single submitter. Criteria: Invitae Variant Classification Sherloc (09022015). Collection method: clinical testing. Allele origin: germline.
Comment: In summary, the available evidence is currently insufficient to determine the role of this variant in disease. Therefore, it has been classified as a Variant of Uncertain Significance. An algorithm developed to predict the effect of missense changes on protein structure and function (PolyPhen-2) suggests that this variant is likely to be disruptive. This variant has not been reported in the literature in individuals affected with FBN3-related conditions. This variant is present in population databases (no rsID available, gnomAD 0.0009%). This sequence change replaces alanine, which is neutral and non-polar, with glycine, which is neutral and non-polar, at codon 244 of the FBN3 protein (p.Ala244Gly).

NM_032447.5(FBN3):c.731C>G (p.Ala244Gly)

Gene: FBN3 (fibrillin 3; minus strand). Cytogenetic location: 19p13.2.
Variant type: single nucleotide variant.
Coding change: c.731C>G on transcript NM_032447.5 (MANE Select); coding-DNA position 731, C replaced by G.
Protein change: p.Ala244Gly; replaces alanine 244 with glycine.
Molecular consequence: missense variant.
Genome position (GRCh38, 1-based): chr19:8,141,948, G>C on the plus strand (C>G on the coding strand, the complement: FBN3 is on the minus strand). VCF-style: chr19-8141948-G-C. GRCh37 (hg19) VCF-style: chr19-8206832-G-C.
Other names: c.731C>G, p.Ala244Gly (NM_001321431.2); c.731C>G (NM_032447.3); short protein forms A244G.
Identifiers: ClinVar variation 2977295 (VCV002977295.4), dbSNP rs1293659394, ClinGen allele CA403719495.